The following is an entry in ClinVar:

ClinVar aggregate classification (germline): Uncertain significance (1 of 4 stars; one submission).

Conditions:
Myofibrillar myopathy 5. Also called: FILAMINOPATHY, AUTOSOMAL DOMINANT; Filaminopathy (type). Identifiers: Orphanet 171445, MedGen C1836050, MONDO:0012289, OMIM 609524.
Distal myopathy with posterior leg and anterior hand involvement. Also called: WILLIAMS DISTAL MYOPATHY. Identifiers: Orphanet 63273, MedGen C3279722, MONDO:0013550, OMIM 614065.
Hypertrophic cardiomyopathy 26. Also called: Cardiomyopathy, familial hypertrophic, 26. Identifiers: Orphanet 75249, MedGen C4310749, MONDO:0014883, OMIM 617047.

Submission:

Labcorp Genetics (formerly Invitae), Labcorp
Classification: Uncertain significance for Distal myopathy with posterior leg and anterior hand involvement; Myofibrillar myopathy 5; Hypertrophic cardiomyopathy 26. Last evaluated: 2025-10-27. Review status: criteria provided, single submitter. Criteria: Invitae Variant Classification Sherloc (09022015). Collection method: clinical testing. Allele origin: germline.
Comment: This sequence change falls in intron 11 of the FLNC gene. It does not directly change the encoded amino acid sequence of the FLNC protein. It affects a nucleotide within the consensus splice site. This variant is not present in population databases (gnomAD no frequency). This variant has not been reported in the literature in individuals affected with FLNC-related conditions. ClinVar contains an entry for this variant (Variation ID: 1040198). Variants that disrupt the consensus splice site are a relatively common cause of aberrant splicing (PMID: 17576681, 9536098). Algorithms developed to predict the effect of sequence changes on RNA splicing suggest that this variant may disrupt the consensus splice site. In summary, the available evidence is currently insufficient to determine the role of this variant in disease. Therefore, it has been classified as a Variant of Uncertain Significance.

Literature cited by the submitters: PubMed 17576681; PubMed 9536098.

NM_001458.5(FLNC):c.1814-3C>G

Gene: FLNC (filamin C; plus strand). Cytogenetic location: 7q32.1.
Variant type: single nucleotide variant.
Coding change: c.1814-3C>G on transcript NM_001458.5 (MANE Select); 3 bases into the intron before coding-DNA position 1814, C replaced by G.
Molecular consequence: intron variant.
Genome position (GRCh38, 1-based): chr7:128,841,167, C>G. VCF-style: chr7-128841167-C-G. GRCh37 (hg19) VCF-style: chr7-128481221-C-G.
Other names: c.1814-3C>G (NM_001127487.2).
Identifiers: ClinVar variation 1040198 (VCV001040198.9), dbSNP rs1162747854, ClinGen allele CA1742568332.